The following is an entry in ClinVar:

ClinVar aggregate classification (germline): Likely benign. Review status: criteria provided, single submitter (1 of 4 stars). 2 submissions from 2 submitters: Likely benign (1). 1 of the submissions does not count toward it. Last evaluated 2023-11-30.

Conditions:
HSD17B3-related disorder. Also called: HSD17B3-related condition.

Allele frequency attached by ClinVar (database versions not stated): gnomAD 0.00007; TOPMed 0.00007; ESP Exome Variant Server 0.00008; gnomAD exomes 0.00010.
gnomAD v4.1: 152 of 1,613,050 alleles (0.0094%); highest among the groups gnomAD compares: Non-Finnish European, 0.012%; no homozygotes.

Submissions (2):

Labcorp Genetics (formerly Invitae), Labcorp
Classification: Likely benign. Last evaluated: 2023-11-30. Review status: criteria provided, single submitter. Criteria: Invitae Variant Classification Sherloc (09022015). Collection method: clinical testing. Allele origin: germline.

PreventionGenetics, part of Exact Sciences
Classification: Likely benign for HSD17B3-related condition. Last evaluated: 2019-09-25. Review status: no assertion criteria provided. Collection method: clinical testing. Allele origin: germline. Not counted in ClinVar's aggregate classification.
Comment: This variant is classified as likely benign based on ACMG/AMP sequence variant interpretation guidelines (Richards et al. 2015 PMID: 25741868, with internal and published modifications).

NM_000197.2(HSD17B3):c.588C>A (p.Ser196=)

Genes: HSD17B3 (hydroxysteroid 17-beta dehydrogenase 3; minus strand), SLC35D2-HSD17B3 (SLC35D2-HSD17B3 readthrough; minus strand). Cytogenetic location: 9q22.32.
Variant type: single nucleotide variant.
Coding change: c.588C>A on transcript NM_000197.2 (MANE Select); coding-DNA position 588, C replaced by A.
Protein change: p.Ser196=; no amino-acid change (serine 196 retained).
Molecular consequence: synonymous variant. On other transcripts: non-coding transcript variant (1).
Genome position (GRCh38, 1-based): chr9:96,245,363, G>T on the plus strand (C>A on the coding strand, the complement: HSD17B3 is on the minus strand). VCF-style: chr9-96245363-G-T. GRCh37 (hg19) VCF-style: chr9-99007645-G-T.
Other names: c.588C>A (NM_000197.1).
Identifiers: ClinVar variation 2969221 (VCV002969221.5), dbSNP rs374922646, ClinGen allele CA196618022.